The following is an entry in ClinVar:

ClinVar aggregate classification (germline): Conflicting classifications of pathogenicity. Review status: criteria provided, conflicting classifications (1 of 4 stars). 2 submissions from 2 submitters: Uncertain significance (1); Likely benign (1). Last evaluated 2025-11-03.

Conditions:
Immunodeficiency 51 (IMD51). Also called: CANDIDIASIS, FAMILIAL, 5. Identifiers: Orphanet 1334, MedGen C4310803, MONDO:0013500, OMIM 613953.

gnomAD v4.1: 1 of 1,608,582 alleles (0.000062%); highest among the groups gnomAD compares: African/African-American, 0.0013%; no homozygotes.

Submissions (2):

Labcorp Genetics (formerly Invitae), Labcorp
Classification: Uncertain significance for Immunodeficiency 51. Last evaluated: 2025-11-03. Review status: criteria provided, single submitter. Criteria: Invitae Variant Classification Sherloc (09022015). Collection method: clinical testing. Allele origin: germline.
Comment: This sequence change replaces glutamic acid, which is acidic and polar, with aspartic acid, which is acidic and polar, at codon 806 of the IL17RA protein (p.Glu806Asp). This variant is not present in population databases (gnomAD no frequency). This variant has not been reported in the literature in individuals affected with IL17RA-related conditions. ClinVar contains an entry for this variant (Variation ID: 3109151). An algorithm developed to predict the effect of missense changes on protein structure and function outputs the following: PolyPhen-2: "Benign". The aspartic acid amino acid residue is found in multiple mammalian species, which suggests that this missense change does not adversely affect protein function. In summary, the available evidence is currently insufficient to determine the role of this variant in disease. Therefore, it has been classified as a Variant of Uncertain Significance.

Ambry Genetics
Classification: Likely benign. Last evaluated: 2023-12-26. Review status: criteria provided, single submitter. Criteria: Ambry Variant Classification Scheme 2023. Collection method: clinical testing. Allele origin: germline.

NM_014339.7(IL17RA):c.2418G>C (p.Glu806Asp)

Gene: IL17RA (interleukin 17 receptor A; plus strand). Cytogenetic location: 22q11.1.
Variant type: single nucleotide variant.
Coding change: c.2418G>C on transcript NM_014339.7 (MANE Select); coding-DNA position 2418, G replaced by C.
Protein change: p.Glu806Asp; replaces glutamic acid 806 with aspartic acid.
Molecular consequence: missense variant.
Genome position (GRCh38, 1-based): chr22:17,109,637, G>C. VCF-style: chr22-17109637-G-C. GRCh37 (hg19) VCF-style: chr22-17590527-G-C.
Other names: c.2316G>C, p.Glu772Asp (NM_001289905.2); short protein forms E772D, E806D.
Identifiers: ClinVar variation 3109151 (VCV003109151.2), dbSNP rs2517176017, ClinGen allele CA410222154.
Genomic context (GRCh38, chr22:17,109,637, plus strand): 5'-GCGGCAGTCAGTGCAGTCTGACCAGGGCTACATCTCCAGGAGCTCCCCGCAGCCCCCCGA[G>C]GGACTCACGGAAATGGAGGAAGAGGAGGAAGAGGAGCAGGACCCAGGGAAGCCGGCCCTG-3'
Protein context (NP_055154.3, residues 796-816): YISRSSPQPP[Glu806Asp]GLTEMEEEEE